The following is an entry in ClinVar:

ClinVar aggregate classification (germline): Uncertain significance (1 of 4 stars; one submission).

Conditions:
Primary ciliary dyskinesia. Also called: Ciliary dyskinesia. Identifiers: Orphanet 244, MedGen C0008780, MONDO:0016575, HP:0012265.

Allele frequency attached by ClinVar (database versions not stated): gnomAD 0.00001; gnomAD exomes 0.00001; ExAC 0.00002; TOPMed 0.00002.
gnomAD v4.1: 17 of 1,613,948 alleles (0.0011%); highest among the groups gnomAD compares: Admixed American, 0.0033%; no homozygotes.

Submission:

Labcorp Genetics (formerly Invitae), Labcorp
Classification: Uncertain significance for Primary ciliary dyskinesia. Last evaluated: 2026-01-12. Review status: criteria provided, single submitter. Criteria: Invitae Variant Classification Sherloc (09022015). Collection method: clinical testing. Allele origin: germline.
Comment: This sequence change replaces arginine, which is basic and polar, with glutamine, which is neutral and polar, at codon 1011 of the DNAH5 protein (p.Arg1011Gln). This variant is present in population databases (rs540368538, gnomAD 0.004%). This variant has not been reported in the literature in individuals affected with DNAH5-related conditions. ClinVar contains an entry for this variant (Variation ID: 2882431). Invitae Evidence Modeling of protein sequence and biophysical properties (such as structural, functional, and spatial information, amino acid conservation, physicochemical variation, residue mobility, and thermodynamic stability) indicates that this missense variant is not expected to disrupt DNAH5 protein function with a negative predictive value of 95%. Algorithms developed to predict the effect of sequence changes on RNA splicing suggest that this variant may create or strengthen a splice site. In summary, the available evidence is currently insufficient to determine the role of this variant in disease. Therefore, it has been classified as a Variant of Uncertain Significance.

NM_001369.3(DNAH5):c.3032G>A (p.Arg1011Gln)

Genes: DNAH5-AS1 (DNAH5 antisense RNA 1; plus strand), DNAH5 (dynein axonemal heavy chain 5; minus strand). Cytogenetic location: 5p15.2.
Variant type: single nucleotide variant.
Coding change: c.3032G>A on transcript NM_001369.3 (MANE Select); coding-DNA position 3032, G replaced by A.
Protein change: p.Arg1011Gln; replaces arginine 1011 with glutamine.
Molecular consequence: missense variant.
Genome position (GRCh38, 1-based): chr5:13,883,046, C>T on the plus strand (G>A on the coding strand, the complement: DNAH5 is on the minus strand). VCF-style: chr5-13883046-C-T. GRCh37 (hg19) VCF-style: chr5-13883155-C-T.
Other names: short protein forms R1011Q.
Identifiers: ClinVar variation 2882431 (VCV002882431.3), dbSNP rs540368538, ClinGen allele CA3204412.
Genomic context (GRCh38, chr5:13,883,046, plus strand): 5'-TGTACATCTTCCAGGGCAGGGGCCATGACGATGTTGGGAATGGCCAGAGTGACGCTTGCC[C>T]GGAAAATGGGCAAACTGTTCTGCTTCATGTTAGAGGCACTGTTACTGTCTGAGTTAACCC-3'
Protein context (NP_001360.1, residues 1001-1021): NMKQNSLPIF[Arg1011Gln]ASVTLAIPNI